The following is an entry in ClinVar:

NM_005360.5(MAF):c.695G>T (p.Gly232Val)

Gene: MAF (MAF bZIP transcription factor; minus strand). Cytogenetic location: 16q23.2.
Variant type: single nucleotide variant.
Coding change: c.695G>T on transcript NM_005360.5 (MANE Select); coding-DNA position 695, G replaced by T.
Protein change: p.Gly232Val; replaces glycine 232 with valine.
Molecular consequence: missense variant.
Genome position (GRCh38, 1-based): chr16:79,599,208, C>A on the plus strand (G>T on the coding strand, the complement: MAF is on the minus strand). VCF-style: chr16-79599208-C-A. GRCh37 (hg19) VCF-style: chr16-79633105-C-A.
Other names: c.695G>T, p.Gly232Val (NM_001031804.3); short protein forms G232V.
Identifiers: ClinVar variation 2672655 (VCV002672655.24), dbSNP rs1210195937, ClinGen allele CA396535414.

ClinVar aggregate classification (germline): Conflicting classifications of pathogenicity. Review status: criteria provided, conflicting classifications (1 of 4 stars). 2 submissions from 2 submitters: Uncertain significance (1); Likely benign (1). Last evaluated 2025-11-04.

Conditions:
Cataract 21 multiple types. Also called: CATARACT 21, MULTIPLE TYPES, WITH OR WITHOUT MICROCORNEA; CATARACT 21, CERULEAN, WITH OR WITHOUT MICROCORNEA; Cataract, congenital, cerulean type, 4; CATARACT 21, MULTIPLE TYPES, WITH MICROCORNEA. Identifiers: Orphanet 91492, MedGen C1857768, MONDO:0012437, OMIM 610202.
Ayme-Gripp syndrome. Also called: Aymé-Gripp Syndrome. Identifiers: MedGen C1832812, MONDO:0010992, OMIM 601088.

Allele frequency attached by ClinVar (database versions not stated): gnomAD 0.00001; TOPMed 0.00001; gnomAD exomes 0.00002.
gnomAD v4.1: 19 of 976,006 alleles (0.0019%); highest among the groups gnomAD compares: Non-Finnish European, 0.0023%; no homozygotes.

Submissions (2):

Labcorp Genetics (formerly Invitae), Labcorp
Classification: Likely benign for Cataract 21 multiple types; Ayme-Gripp syndrome. Last evaluated: 2025-11-04. Review status: criteria provided, single submitter. Criteria: Invitae Variant Classification Sherloc (09022015). Collection method: clinical testing. Allele origin: germline.

CeGaT Center for Human Genetics Tuebingen
Classification: Uncertain significance. Last evaluated: 2023-11-01. Review status: criteria provided, single submitter. Criteria: CeGaT Center For Human Genetics Tuebingen Variant Classification Criteria Version 2. Collection method: clinical testing. Allele origin: germline. Affected: yes. Observed: 1 variant allele.
Comment: MAF: PP2, PP3